The following is an entry in ClinVar:

NC_000008.10:g.(?_61653992)_(62626930_?)del

Genes: ASPH (aspartate beta-hydroxylase; minus strand), CHD7 (chromodomain helicase DNA binding protein 7; plus strand), CLVS1 (clavesin 1; plus strand). Cytogenetic location: 8q12.2-12.3.
Variant type: Deletion.
Identifiers: ClinVar variation 3245489 (VCV003245489.1).

ClinVar aggregate classification (germline): Pathogenic (1 of 4 stars; one submission).

Conditions:
CHARGE syndrome (CHARGE). Also called: Hittner Hirsch Kreh syndrome; CHARGE ASSOCIATION--COLOBOMA, HEART ANOMALY, CHOANAL ATRESIA, RETARDATION, GENITAL AND EAR ANOMALIES; Coloboma, heart anomaly, choanal atresia, retardation, genital and ear anomalies; CHARGE association; Hall-Hittner syndrome. Identifiers: Orphanet 138, MedGen C0265354, MONDO:0008965.

Submission:

Labcorp Genetics (formerly Invitae), Labcorp
Classification: Pathogenic for CHARGE syndrome. Last evaluated: 2022-06-05. Review status: criteria provided, single submitter. Criteria: Invitae Variant Classification Sherloc (09022015). Collection method: clinical testing. Allele origin: unknown.
Comment: For these reasons, this variant has been classified as Pathogenic. A similar copy number variant has been observed in individual(s) with CHARGE syndrome (PMID: 21158681). A gross deletion of the genomic region encompassing the full coding sequence of the CHD7 gene has been identified. Loss-of-function variants in CHD7 are known to be pathogenic (PMID: 22461308, 25077900). The boundaries of this event are unknown as they extend beyond the assayed region for this gene and therefore may encompass additional genes.

Literature cited by the submitters: PubMed 21158681; PubMed 22461308; PubMed 25077900.